The following is an entry in ClinVar:

NM_000372.5(TYR):c.1184G>A (p.Ser395Asn)

Gene: TYR (tyrosinase; plus strand). Cytogenetic location: 11q14.3.
Variant type: single nucleotide variant.
Coding change: c.1184G>A on transcript NM_000372.5 (MANE Select); coding-DNA position 1184, G replaced by A.
Protein change: p.Ser395Asn; replaces serine 395 with asparagine.
Molecular consequence: missense variant.
Genome position (GRCh38, 1-based): chr11:89,227,970, G>A. VCF-style: chr11-89227970-G-A. GRCh37 (hg19) VCF-style: chr11-88961138-G-A.
Other names: c.1184G>A (NM_000372.4); short protein forms S395N.
Identifiers: ClinVar variation 2679411 (VCV002679411.2), dbSNP rs752344007, ClinGen allele CA6221358.

ClinVar aggregate classification (germline): Pathogenic. Review status: criteria provided, single submitter (1 of 4 stars). 2 submissions from 2 submitters: Pathogenic (1). 1 of the submissions does not count toward it. Last evaluated 2023-06-06.

Conditions:
SKIN/HAIR/EYE PIGMENTATION 3, LIGHT/DARK SKIN (SHEP3). Also called: SKIN/HAIR/EYE PIGMENTATION, VARIATION IN, 3; EYE COLOR 1; EYE COLOR, GREEN/BLUE; SKIN/HAIR/EYE PIGMENTATION 3, BLUE/GREEN EYE COLOR; SKIN/HAIR/EYE PIGMENTATION 3, FRECKLING. Identifiers: MedGen C2677190, OMIM 601800.
TYR-related disorder. Also called: TYR-related condition.

Allele frequency attached by ClinVar (database versions not stated): gnomAD exomes below 0.00001; ExAC 0.00001; TOPMed 0.00002.
gnomAD v4.1: 2 of 1,613,078 alleles (0.00012%); highest among the groups gnomAD compares: African/African-American, 0.0013%; no homozygotes.

Submissions (2):

Baylor Genetics
Classification: Pathogenic for SKIN/HAIR/EYE PIGMENTATION 3, LIGHT/DARK SKIN. Last evaluated: 2023-06-06. Review status: criteria provided, single submitter. Criteria: ACMG Guidelines, 2015. Collection method: clinical testing. Allele origin: unknown.

PreventionGenetics, part of Exact Sciences
Classification: Likely pathogenic for TYR-related condition. Last evaluated: 2024-07-30. Review status: no assertion criteria provided. Collection method: clinical testing. Allele origin: germline. Not counted in ClinVar's aggregate classification.
Comment: The TYR c.1184G>A variant is predicted to result in the amino acid substitution p.Ser395Asn. This variant has been reported in the compound heterozygous state in individuals with oculocutaneous albinism (Spritz et al. 1997. PubMed ID: 9259202; Table S1, Wei et al. 2021. PubMed ID: 34838614). This variant is predicted to have a damaging effect on the protein. This variant is reported in 0.00088% of alleles in individuals of European (Non-Finnish) descent in gnomAD. Given the evidence, we interpret this variant as likely pathogenic.